The following is an entry in ClinVar:

NM_001007553.3(CSDE1):c.743dup (p.Leu248fs)

Gene: CSDE1 (cold shock domain containing E1; minus strand). Cytogenetic location: 1p13.2.
Variant type: Duplication.
Coding change: c.743dup on transcript NM_001007553.3 (MANE Select); coding-DNA position 743, one base duplicated (T; older notation c.743dupT).
Protein change: p.Leu248fs; shifts the reading frame from leucine 248.
Molecular consequence: frameshift variant.
Genome position (GRCh38, 1-based): chr1:114,733,826, A duplicated on the plus strand (T on the coding strand, the reverse complement: CSDE1 is on the minus strand); the first of 2 consecutive A bases (chr1:114,733,826-114,733,827); duplicating either gives the same sequence. VCF-style (leftmost placement, unchanged base first): chr1-114733825-C-CA. GRCh37 (hg19) VCF-style: chr1-115276446-C-CA.
Other names: c.788dup, p.Leu263fs (NM_001130523.3); c.881dup, p.Leu294fs (NM_001242891.2); c.743dup, p.Leu248fs (NM_001242892.2); c.650dup, p.Leu217fs (NM_001242893.2, NM_007158.6); short protein forms L217fs, L248fs, L263fs, L294fs.
Identifiers: ClinVar variation 3383407 (VCV003383407.2).

ClinVar aggregate classification (germline): Uncertain significance (1 of 4 stars; one submission).

Submission:

Centre of Medical Genetics, University Hospital Muenster
Classification: Uncertain significance. Last evaluated: 2022-08-18. Review status: criteria provided, single submitter. Criteria: ACMG Guidelines, 2015. Collection method: clinical testing. Allele origin: unknown. Affected: yes. Observed: 1 variant allele, 1 heterozygote.
Comment: ACMG categories: PVS1